The following is an entry in ClinVar:

NM_005204.4(MAP3K8):c.103G>T (p.Ala35Ser)

Gene: MAP3K8 (mitogen-activated protein kinase kinase kinase 8; plus strand). Cytogenetic location: 10p11.23.
Variant type: single nucleotide variant.
Coding change: c.103G>T on transcript NM_005204.4 (MANE Select); coding-DNA position 103, G replaced by T.
Protein change: p.Ala35Ser; replaces alanine 35 with serine.
Molecular consequence: missense variant.
Genome position (GRCh38, 1-based): chr10:30,439,041, G>T. VCF-style: chr10-30439041-G-T. GRCh37 (hg19) VCF-style: chr10-30727970-G-T.
Other names: c.103G>T, p.Ala35Ser (NM_001244134.1, NM_001320961.2); short protein forms A35S.
Identifiers: ClinVar variation 2553303 (VCV002553303.3), dbSNP rs767144818, ClinGen allele CA5459586.

ClinVar aggregate classification (germline): Uncertain significance. Review status: criteria provided, multiple submitters, no conflicts (2 of 4 stars). 2 submissions from 2 submitters: Uncertain significance (2). Last evaluated 2025-12-19.

Allele frequency attached by ClinVar (database versions not stated): ExAC 0.00001; gnomAD exomes 0.00001.
gnomAD v4.1: 3 of 1,613,996 alleles (0.00019%); highest among the groups gnomAD compares: Non-Finnish European, 0.00025%; no homozygotes.

Submissions (2):

Labcorp Genetics (formerly Invitae), Labcorp
Classification: Uncertain significance. Last evaluated: 2025-12-19. Review status: criteria provided, single submitter. Criteria: Invitae Variant Classification Sherloc (09022015). Collection method: clinical testing. Allele origin: germline.
Comment: This sequence change replaces alanine, which is neutral and non-polar, with serine, which is neutral and polar, at codon 35 of the MAP3K8 protein (p.Ala35Ser). This variant is present in population databases (rs767144818, gnomAD 0.0009%). This variant has not been reported in the literature in individuals affected with MAP3K8-related conditions. ClinVar contains an entry for this variant (Variation ID: 2553303). An algorithm developed to predict the effect of missense changes on protein structure and function (PolyPhen-2) suggests that this variant is likely to be tolerated. In summary, the available evidence is currently insufficient to determine the role of this variant in disease. Therefore, it has been classified as a Variant of Uncertain Significance.

Ambry Genetics
Classification: Uncertain significance. Last evaluated: 2023-05-31. Review status: criteria provided, single submitter. Criteria: Ambry Variant Classification Scheme 2023. Collection method: clinical testing. Allele origin: germline.